The following is an entry in ClinVar:

NM_005271.5(GLUD1):c.241G>A (p.Val81Met)

Genes: GLUD1 (glutamate dehydrogenase 1; minus strand), SHLD2 (shieldin complex subunit 2; plus strand). Cytogenetic location: 10q23.2.
Variant type: single nucleotide variant.
Coding change: c.241G>A on transcript NM_005271.5 (MANE Select); coding-DNA position 241, G replaced by A.
Protein change: p.Val81Met; replaces valine 81 with methionine.
Molecular consequence: missense variant. On other transcripts: 5 prime UTR variant (3).
Genome position (GRCh38, 1-based): chr10:87,094,529, C>T on the plus strand (G>A on the coding strand, the complement: GLUD1 is on the minus strand). VCF-style: chr10-87094529-C-T. GRCh37 (hg19) VCF-style: chr10-88854286-C-T.
Other names: c.-488G>A (NM_001318904.2); c.-614G>A (NM_001318905.2); c.-321G>A (NM_001318906.2); short protein forms V81M.
Identifiers: ClinVar variation 3374893 (VCV003374893.2).

ClinVar aggregate classification (germline): Conflicting classifications of pathogenicity. Review status: criteria provided, conflicting classifications (1 of 4 stars). 2 submissions from 2 submitters: Uncertain significance (1); Likely benign (1). Last evaluated 2024-09-11.

gnomAD v4.1: 24 of 1,612,670 alleles (0.0015%); highest among the groups gnomAD compares: Non-Finnish European, 0.0018%; no homozygotes.

Submissions (2):

Women's Health and Genetics/Laboratory Corporation of America, LabCorp
Classification: Likely benign. Last evaluated: 2024-09-11. Review status: criteria provided, single submitter. Criteria: LabCorp Variant Classification Summary - May 2015. Collection method: clinical testing. Allele origin: germline.
Comment: Variant summary: GLUD1 c.241G>A (p.Val81Met) results in a conservative amino acid change in the encoded protein sequence. Four of five in-silico tools predict a benign effect of the variant on protein function. The variant allele was found at a frequency of 1.5e-05 in 1606694 control chromosomes (gnomAD v4.1 dataset). The observed variant frequency is approximately 24-fold of the estimated maximal expected allele frequency for a pathogenic variant in GLUD1 causing Congenital Hyperinsulinism phenotype (6.3e-07). To our knowledge, no occurrence of c.241G>A in individuals affected with Congenital Hyperinsulinism and no experimental evidence demonstrating its impact on protein function have been reported. No submitters have cited clinical-significance assessments for this variant to ClinVar. Based on the evidence outlined above, the variant was classified as likely benign.

Blueprint Genetics
Classification: Uncertain significance. Last evaluated: 2024-04-26. Review status: criteria provided, single submitter. Criteria: ACMG Guidelines, 2015. Collection method: clinical testing. Allele origin: germline.